The following is an entry in ClinVar:

NM_004260.4(RECQL4):c.725T>G (p.Phe242Cys)

Gene: RECQL4 (RecQ like helicase 4; minus strand). Cytogenetic location: 8q24.3.
Variant type: single nucleotide variant.
Coding change: c.725T>G on transcript NM_004260.4 (MANE Select); coding-DNA position 725, T replaced by G.
Protein change: p.Phe242Cys; replaces phenylalanine 242 with cysteine.
Molecular consequence: missense variant.
Genome position (GRCh38, 1-based): chr8:144,516,394, A>C on the plus strand (T>G on the coding strand, the complement: RECQL4 is on the minus strand). VCF-style: chr8-144516394-A-C. GRCh37 (hg19) VCF-style: chr8-145741778-A-C.
Other names: short protein forms F242C.
Identifiers: ClinVar variation 570690 (VCV000570690.6), dbSNP rs780215594, ClinGen allele CA4949197.
Genomic context (GRCh38, chr8:144,516,394, plus strand): 5'-CGCTTCTCGCCTCCACTGCTGCTGGGCTGGGGGCTCCCCACACGGATGCTGACTTCTTGG[A>C]AGGCTGAAGCCTCTGGGCCCTGGGAGCCAGCACCAGGACCAAGGACAGCCGACTCACCAG-3'
Protein context (NP_004251.4, residues 232-252): AGSQGPEASA[Phe242Cys]QEVSIRVGSP

ClinVar aggregate classification (germline): Uncertain significance. Review status: criteria provided, multiple submitters, no conflicts (2 of 4 stars). 2 submissions from 2 submitters: Uncertain significance (2). Last evaluated 2025-04-20.

Conditions:
Inborn genetic diseases. Identifiers: MedGen C0950123, MeSH D030342.
Baller-Gerold syndrome (BGS). Also called: CRANIOSYNOSTOSIS WITH RADIAL DEFECTS. Identifiers: Orphanet 1225, MedGen C0265308, MONDO:0009039, OMIM 218600.

Allele frequency attached by ClinVar (database versions not stated): ExAC 0.00001; gnomAD 0.00001; gnomAD exomes 0.00001 and 0.00002.
gnomAD v4.1: 25 of 1,609,662 alleles (0.0016%); highest among the groups gnomAD compares: Non-Finnish European, 0.0019%; no homozygotes.

Submissions (2):

Labcorp Genetics (formerly Invitae), Labcorp
Classification: Uncertain significance for Baller-Gerold syndrome. Last evaluated: 2025-04-20. Review status: criteria provided, single submitter. Criteria: Invitae Variant Classification Sherloc (09022015). Collection method: clinical testing. Allele origin: germline.
Comment: This sequence change replaces phenylalanine, which is neutral and non-polar, with cysteine, which is neutral and slightly polar, at codon 242 of the RECQL4 protein (p.Phe242Cys). This variant is present in population databases (rs780215594, gnomAD 0.003%). This variant has not been reported in the literature in individuals affected with RECQL4-related conditions. ClinVar contains an entry for this variant (Variation ID: 570690). Invitae Evidence Modeling of protein sequence and biophysical properties (such as structural, functional, and spatial information, amino acid conservation, physicochemical variation, residue mobility, and thermodynamic stability) indicates that this missense variant is not expected to disrupt RECQL4 protein function with a negative predictive value of 80%. In summary, the available evidence is currently insufficient to determine the role of this variant in disease. Therefore, it has been classified as a Variant of Uncertain Significance.

Ambry Genetics
Classification: Uncertain significance for Inborn genetic diseases. Last evaluated: 2024-11-20. Review status: criteria provided, single submitter. Criteria: Ambry Variant Classification Scheme 2023. Collection method: clinical testing. Allele origin: germline.
Comment: The p.F242C variant (also known as c.725T>G), located in coding exon 5 of the RECQL4 gene, results from a T to G substitution at nucleotide position 725. The phenylalanine at codon 242 is replaced by cysteine, an amino acid with highly dissimilar properties. This amino acid position is conserved. In addition, this alteration is predicted to be tolerated by in silico analysis. Based on the available evidence, the clinical significance of this variant remains unclear.